The following is an entry in ClinVar:

NM_006648.4(WNK2):c.3449G>T (p.Ser1150Ile)

Gene: WNK2 (WNK lysine deficient protein kinase 2; plus strand). Cytogenetic location: 9q22.31.
Variant type: single nucleotide variant.
Coding change: c.3449G>T on transcript NM_006648.4 (MANE Select); coding-DNA position 3449, G replaced by T.
Protein change: p.Ser1150Ile; replaces serine 1150 with isoleucine.
Molecular consequence: missense variant.
Genome position (GRCh38, 1-based): chr9:93,263,604, G>T. VCF-style: chr9-93263604-G-T. GRCh37 (hg19) VCF-style: chr9-96025886-G-T.
Other names: c.3449G>T, p.Ser1150Ile (NM_001282394.3); short protein forms S1150I.
Identifiers: ClinVar variation 4201894 (VCV004201894.1).

ClinVar aggregate classification (germline): Uncertain significance (1 of 4 stars; one submission).

gnomAD v4.1: 1 of 1,610,750 alleles (0.000062%); highest among the groups gnomAD compares: Admixed American, 0.0017%; no homozygotes.

Submission:

Ambry Genetics
Classification: Uncertain significance. Last evaluated: 2025-09-10. Review status: criteria provided, single submitter. Criteria: Ambry Variant Classification Scheme 2023. Collection method: clinical testing. Allele origin: germline.
Comment: The p.S1150I variant (also known as c.3449G>T), located in coding exon 14 of the WNK2 gene, results from a G to T substitution at nucleotide position 3449. The serine at codon 1150 is replaced by isoleucine, an amino acid with dissimilar properties. This amino acid position is conserved. In addition, this alteration is predicted to be tolerated by in silico analysis. Based on the available evidence, the clinical significance of this variant remains unclear.